The following is an entry in ClinVar:

ClinVar aggregate classification (germline): Pathogenic. Review status: criteria provided, multiple submitters, no conflicts (2 of 4 stars). 2 submissions from 2 submitters: Pathogenic (2). Last evaluated 2024-10-09.

Conditions:
CDKL5-related disorder.
Angelman syndrome-like. Identifiers: MedGen CN128785.
Developmental and epileptic encephalopathy, 2 (DEE2). Also called: INFANTILE SPASM SYNDROME, X-LINKED 2; CDKL5 deficiency disorder. Identifiers: Orphanet 1934, Orphanet 3451, Orphanet 505652, MedGen C4750718, MONDO:0010396, OMIM 300672.

Submissions (2):

Blueprint Genetics
Classification: Pathogenic for CDKL5-related disorders. Last evaluated: 2024-10-09. Review status: criteria provided, single submitter. Criteria: ACMG Guidelines, 2015. Collection method: clinical testing. Allele origin: germline. Affected: yes. Observed: 1 variant allele.

Labcorp Genetics (formerly Invitae), Labcorp
Classification: Pathogenic for Developmental and epileptic encephalopathy, 2; Angelman syndrome-like. Last evaluated: 2020-01-01. Review status: criteria provided, single submitter. Criteria: Invitae Variant Classification Sherloc (09022015). Collection method: clinical testing. Allele origin: germline.
Comment: This sequence change creates a premature translational stop signal (p.Gln643*) in the CDKL5 gene. It is expected to result in an absent or disrupted protein product. This variant is not present in population databases (ExAC no frequency). This variant has not been reported in the literature in individuals with CDKL5-related conditions. Algorithms developed to predict the effect of sequence changes on RNA splicing suggest that this variant may create or strengthen a splice site, but this prediction has not been confirmed by published transcriptional studies. Loss-of-function variants in CDKL5 are known to be pathogenic (PMID: 22872100). For these reasons, this variant has been classified as Pathogenic.

Literature cited by the submitters: PubMed 22872100 (cited by Labcorp Genetics (formerly Invitae), Labcorp).

NM_001323289.2(CDKL5):c.1927C>T (p.Gln643Ter)

Gene: CDKL5 (cyclin dependent kinase like 5; plus strand). Cytogenetic location: Xp22.13.
Variant type: single nucleotide variant.
Coding change: c.1927C>T on transcript NM_001323289.2 (MANE Select); coding-DNA position 1927, C replaced by T.
Protein change: p.Gln643Ter; replaces glutamine 643 with a stop codon.
Molecular consequence: nonsense.
Genome position (GRCh38, 1-based): chrX:18,604,851, C>T. VCF-style: chrX-18604851-C-T. GRCh37 (hg19) VCF-style: chrX-18622971-C-T.
Other names: c.1927C>T, p.Gln643Ter (NM_001037343.2, NM_003159.3); short protein forms Q643*.
Identifiers: ClinVar variation 1070908 (VCV001070908.3), dbSNP rs2147161353, ClinGen allele CA412364017.
Genomic context (GRCh38, chrX:18,604,851, plus strand): 5'-AAGGGCTTGGATGGAAGCTTGAGCATAGGGCAAGGGATGGCAGCTAGAGCCAACAGCCTG[C>T]AACTCTTGTCACCCCAGGTACAGTTGAGCACCTTGACTGAATCTGGTGGCCCTTCAGGGG-3'